The following is an entry in ClinVar:

ClinVar aggregate classification (germline): Uncertain significance. Review status: criteria provided, multiple submitters, no conflicts (2 of 4 stars). 3 submissions from 3 submitters: Uncertain significance (3). Last evaluated 2024-12-03.

Conditions:
RYR1-related disorder. Also called: RYR1-related condition; RYR1-related disorders. Identifiers: MedGen CN239331.

Submissions (3):

Labcorp Genetics (formerly Invitae), Labcorp
Classification: Uncertain significance for RYR1-related disorder. Last evaluated: 2024-12-03. Review status: criteria provided, single submitter. Criteria: Invitae Variant Classification Sherloc (09022015). Collection method: clinical testing. Allele origin: germline.
Comment: This sequence change replaces aspartic acid, which is acidic and polar, with tyrosine, which is neutral and polar, at codon 329 of the RYR1 protein (p.Asp329Tyr). This variant is not present in population databases (gnomAD no frequency). This variant has not been reported in the literature in individuals affected with RYR1-related conditions. Invitae Evidence Modeling of protein sequence and biophysical properties (such as structural, functional, and spatial information, amino acid conservation, physicochemical variation, residue mobility, and thermodynamic stability) indicates that this missense variant is expected to disrupt RYR1 protein function with a positive predictive value of 95%. In summary, the available evidence is currently insufficient to determine the role of this variant in disease. Therefore, it has been classified as a Variant of Uncertain Significance.

GeneDx
Classification: Uncertain significance. Last evaluated: 2024-09-16. Review status: criteria provided, single submitter. Criteria: GeneDx Variant Classification Process June 2021. Collection method: clinical testing. Allele origin: germline. Affected: yes.
Comment: Not observed at significant frequency in large population cohorts (gnomAD); In silico analysis supports that this missense variant has a deleterious effect on protein structure/function; Has not been previously published as pathogenic or benign to our knowledge; This variant is associated with the following publications: (PMID: 33767344)

Revvity Omics, Revvity
Classification: Uncertain significance. Last evaluated: 2024-06-05. Review status: criteria provided, single submitter. Criteria: ACMG Guidelines, 2015. Collection method: clinical testing. Allele origin: germline.

NM_000540.3(RYR1):c.985G>T (p.Asp329Tyr)

Gene: RYR1 (ryanodine receptor 1; plus strand). Cytogenetic location: 19q13.2.
Variant type: single nucleotide variant.
Coding change: c.985G>T on transcript NM_000540.3 (MANE Select); coding-DNA position 985, G replaced by T.
Protein change: p.Asp329Tyr; replaces aspartic acid 329 with tyrosine.
Molecular consequence: missense variant.
Genome position (GRCh38, 1-based): chr19:38,448,676, G>T. VCF-style: chr19-38448676-G-T. GRCh37 (hg19) VCF-style: chr19-38939316-G-T.
Other names: c.985G>T, p.Asp329Tyr (NM_001042723.2); short protein forms D329Y.
Identifiers: ClinVar variation 3709275 (VCV003709275.4).